The following is an entry in ClinVar:

NM_000642.3(AGL):c.1324G>C (p.Glu442Gln)

Gene: AGL (amylo-alpha-1,6-glucosidase and 4-alpha-glucanotransferase; plus strand). Cytogenetic location: 1p21.2.
Variant type: single nucleotide variant.
Coding change: c.1324G>C on transcript NM_000642.3 (MANE Select); coding-DNA position 1324, G replaced by C.
Protein change: p.Glu442Gln; replaces glutamic acid 442 with glutamine.
Molecular consequence: missense variant.
Genome position (GRCh38, 1-based): chr1:99,876,498, G>C. VCF-style: chr1-99876498-G-C. GRCh37 (hg19) VCF-style: chr1-100342054-G-C.
Other names: c.1324G>C, p.Glu442Gln (NM_000028.3, NM_000643.3, NM_000644.3 and 2 more transcripts); c.1276G>C, p.Glu426Gln (NM_000646.3); c.1123G>C, p.Glu375Gln (NM_001425327.1); c.1120G>C, p.Glu374Gln (NM_001425328.1, NM_001425329.1); c.946G>C, p.Glu316Gln (NM_001425332.1); short protein forms E426Q, E442Q, E316Q, E374Q, E375Q.
Identifiers: ClinVar variation 1723804 (VCV001723804.2), dbSNP rs2524610522, ClinGen allele CA341346002.

ClinVar aggregate classification (germline): Uncertain significance (1 of 4 stars; one submission).

Submission:

GeneDx
Classification: Uncertain significance. Last evaluated: 2022-05-13. Review status: criteria provided, single submitter. Criteria: GeneDx Variant Classification Process June 2021. Collection method: clinical testing. Allele origin: germline. Affected: yes.
Comment: Not observed at significant frequency in large population cohorts (gnomAD); In silico analysis supports that this missense variant does not alter protein structure/function; Has not been previously published as pathogenic or benign to our knowledge